The following is an entry in ClinVar:

ClinVar aggregate classification (germline): Conflicting classifications of pathogenicity. Review status: criteria provided, conflicting classifications (1 of 4 stars). 2 submissions from 2 submitters: Uncertain significance (1); Likely benign (1). Last evaluated 2025-08-18.

gnomAD v4.1: 6 of 1,613,498 alleles (0.00037%); highest among the groups gnomAD compares: Non-Finnish European, 0.00051%; no homozygotes.

Submissions (2):

Labcorp Genetics (formerly Invitae), Labcorp
Classification: Uncertain significance. Last evaluated: 2025-08-18. Review status: criteria provided, single submitter. Criteria: Invitae Variant Classification Sherloc (09022015). Collection method: clinical testing. Allele origin: germline.
Comment: This sequence change replaces alanine, which is neutral and non-polar, with valine, which is neutral and non-polar, at codon 811 of the MICAL1 protein (p.Ala811Val). This variant is present in population databases (no rsID available, gnomAD 0.0009%). This variant has not been reported in the literature in individuals affected with MICAL1-related conditions. ClinVar contains an entry for this variant (Variation ID: 2996800). An algorithm developed to predict the effect of missense changes on protein structure and function outputs the following: PolyPhen-2: "Benign". The valine amino acid residue is found in multiple mammalian species, which suggests that this missense change does not adversely affect protein function. In summary, the available evidence is currently insufficient to determine the role of this variant in disease. Therefore, it has been classified as a Variant of Uncertain Significance.

Ambry Genetics
Classification: Likely benign. Last evaluated: 2024-09-11. Review status: criteria provided, single submitter. Criteria: Ambry Variant Classification Scheme 2023. Collection method: clinical testing. Allele origin: germline.

NM_022765.4(MICAL1):c.2375C>T (p.Ala792Val)

Gene: MICAL1 (microtubule associated monooxygenase, calponin and LIM domain containing 1; minus strand). Cytogenetic location: 6q21.
Variant type: single nucleotide variant.
Coding change: c.2375C>T on transcript NM_022765.4 (MANE Select); coding-DNA position 2375, C replaced by T.
Protein change: p.Ala792Val; replaces alanine 792 with valine.
Molecular consequence: missense variant.
Genome position (GRCh38, 1-based): chr6:109,446,342, G>A on the plus strand (C>T on the coding strand, the complement: MICAL1 is on the minus strand). VCF-style: chr6-109446342-G-A. GRCh37 (hg19) VCF-style: chr6-109767545-G-A.
Other names: c.2375C>T (NM_022765.3); c.2117C>T, p.Ala706Val (NM_001159291.2); c.2432C>T, p.Ala811Val (NM_001286613.2); short protein forms A792V, A706V, A811V.
Identifiers: ClinVar variation 2996800 (VCV002996800.4), dbSNP rs1163458825, ClinGen allele CA365223852.